The following is an entry in ClinVar:

ClinVar aggregate classification (germline): Uncertain significance. Review status: criteria provided, multiple submitters, no conflicts (2 of 4 stars). 2 submissions from 2 submitters: Uncertain significance (2). Last evaluated 2023-12-29.

Conditions:
Hereditary cancer-predisposing syndrome. Also called: Neoplastic Syndromes, Hereditary; Hereditary Cancer Syndrome; Tumor predisposition; Hereditary neoplastic syndrome. Identifiers: Orphanet 140162, MedGen C0027672, MeSH D009386, MONDO:0015356.
Haddad syndrome (OHD). Also called: Ondine-Hirschsprung disease. Identifiers: Orphanet 99803, MedGen C1859049, MONDO:0020493.

Submissions (2):

Ambry Genetics
Classification: Uncertain significance for Hereditary cancer-predisposing syndrome. Last evaluated: 2023-12-29. Review status: criteria provided, single submitter. Criteria: Ambry Variant Classification Scheme 2023. Collection method: clinical testing. Allele origin: germline.
Comment: The p.G215D variant (also known as c.644G>A), located in coding exon 3 of the PHOX2B gene, results from a G to A substitution at nucleotide position 644. The glycine at codon 215 is replaced by aspartic acid, an amino acid with similar properties. This amino acid position is conserved. In addition, the in silico prediction for this alteration is inconclusive. Since supporting evidence is limited at this time, the clinical significance of this alteration remains unclear.

Labcorp Genetics (formerly Invitae), Labcorp
Classification: Uncertain significance for Haddad syndrome. Last evaluated: 2023-04-24. Review status: criteria provided, single submitter. Criteria: Invitae Variant Classification Sherloc (09022015). Collection method: clinical testing. Allele origin: germline.
Comment: In summary, the available evidence is currently insufficient to determine the role of this variant in disease. Therefore, it has been classified as a Variant of Uncertain Significance. Advanced modeling of protein sequence and biophysical properties (such as structural, functional, and spatial information, amino acid conservation, physicochemical variation, residue mobility, and thermodynamic stability) performed at Invitae indicates that this missense variant is not expected to disrupt PHOX2B protein function. ClinVar contains an entry for this variant (Variation ID: 1471938). This variant has not been reported in the literature in individuals affected with PHOX2B-related conditions. This variant is not present in population databases (gnomAD no frequency). This sequence change replaces glycine, which is neutral and non-polar, with aspartic acid, which is acidic and polar, at codon 215 of the PHOX2B protein (p.Gly215Asp).

NM_003924.4(PHOX2B):c.644G>A (p.Gly215Asp)

Gene: PHOX2B (paired like homeobox 2B; minus strand). Cytogenetic location: 4p13.
Variant type: single nucleotide variant.
Coding change: c.644G>A on transcript NM_003924.4 (MANE Select); coding-DNA position 644, G replaced by A.
Protein change: p.Gly215Asp; replaces glycine 215 with aspartic acid.
Molecular consequence: missense variant.
Genome position (GRCh38, 1-based): chr4:41,746,108, C>T on the plus strand (G>A on the coding strand, the complement: PHOX2B is on the minus strand). VCF-style: chr4-41746108-C-T. GRCh37 (hg19) VCF-style: chr4-41748125-C-T.
Other names: c.644G>A (NM_003924.3); short protein forms G215D.
Identifiers: ClinVar variation 1471938 (VCV001471938.9), dbSNP rs2153112790, ClinGen allele CA356737531.